The following is an entry in ClinVar:

ClinVar aggregate classification (germline): Likely pathogenic (1 of 4 stars; one submission).

Conditions:
Finnish congenital nephrotic syndrome (NPHS1). Also called: NEPHROTIC SYNDROME, TYPE 1. Identifiers: Orphanet 839, MedGen C0403399, MONDO:0009732, OMIM 256300.

Submission:

Myriad Genetics, Inc.
Classification: Likely pathogenic for Finnish congenital nephrotic syndrome. Last evaluated: 2022-01-02. Review status: criteria provided, single submitter. Criteria: Myriad Women's Health Autosomal Recessive and X-Linked Classification Criteria (2021). Collection method: clinical testing. Allele origin: unknown.
Comment: NM_004646.3(NPHS1):c.2624_2625delGG(W875Yfs*67) is expected to be pathogenic in the context of nephrotic syndrome, NPHS1-related. This variant is predicted to lead to an abnormal or absent protein product due to the creation of a premature termination codon in NPHS1, a gene where loss-of-function variants are known to be pathogenic. Please note: this variant was assessed in the context of healthy population screening.

NM_004646.4(NPHS1):c.2624_2625del (p.Trp875fs)

Gene: NPHS1 (NPHS1 adhesion molecule, nephrin; minus strand). Cytogenetic location: 19q13.12.
Variant type: Deletion.
Coding change: c.2624_2625del on transcript NM_004646.4 (MANE Select); coding-DNA positions 2624 to 2625, 2 bases deleted (GG; older notation c.2624_2625delGG).
Protein change: p.Trp875fs; shifts the reading frame from tryptophan 875.
Molecular consequence: frameshift variant.
Genome position (GRCh38, 1-based): chr19:35,842,162-35,842,163, CC deleted on the plus strand (GG on the coding strand, the reverse complement: NPHS1 is on the minus strand). VCF-style (leftmost placement, unchanged base first): chr19-35842161-TCC-T. GRCh37 (hg19) VCF-style: chr19-36333063-TCC-T.
Other names: short protein forms W875fs.
Identifiers: ClinVar variation 1726875 (VCV001726875.2), dbSNP rs2513769039, ClinGen allele CA2580096855.
Genomic context (GRCh38, chr19:35,842,161, plus strand): 5'-TGCCTGGCTGGGCTTGGGCTCACCTGGGATCTTGGAGATCCAGAGGGACCCCGTTTTTTG[TCC>T]AAGTGAAAACGATGTTGGGGACACCTCGGGCACGGCAGTGGAGGGTGGCAGAACTGGTGC-3'